The following is an entry in ClinVar:

NM_020207.7(ERCC6L2):c.3488C>T (p.Ser1163Phe)

Gene: ERCC6L2 (ERCC excision repair 6 like 2; plus strand). Cytogenetic location: 9q22.32.
Variant type: single nucleotide variant.
Coding change: c.3488C>T on transcript NM_020207.7 (MANE Select); coding-DNA position 3488, C replaced by T.
Protein change: p.Ser1163Phe; replaces serine 1163 with phenylalanine.
Molecular consequence: missense variant. On other transcripts: non-coding transcript variant (1).
Genome position (GRCh38, 1-based): chr9:95,978,211, C>T. VCF-style: chr9-95978211-C-T. GRCh37 (hg19) VCF-style: chr9-98740493-C-T.
Other names: c.3488C>T, p.Ser1163Phe (NM_001375291.1, NM_001375292.1, NM_001375293.1 and 1 more transcripts); short protein forms S1163F.
Identifiers: ClinVar variation 1486087 (VCV001486087.7), dbSNP rs541311900, ClinGen allele CA5139932.

ClinVar aggregate classification (germline): Uncertain significance (1 of 4 stars; one submission).

Allele frequency attached by ClinVar (database versions not stated): gnomAD 0.00001; gnomAD exomes 0.00001 and 0.00004; ExAC 0.00005; 1000 Genomes Project 30x 0.00016; 1000 Genomes Project 0.00020.
gnomAD v4.1: 19 of 1,361,832 alleles (0.0014%); highest among the groups gnomAD compares: South Asian, 0.021%; no homozygotes.

Submission:

Labcorp Genetics (formerly Invitae), Labcorp
Classification: Uncertain significance. Last evaluated: 2022-07-05. Review status: criteria provided, single submitter. Criteria: Invitae Variant Classification Sherloc (09022015). Collection method: clinical testing. Allele origin: germline.
Comment: This variant has not been reported in the literature in individuals affected with ERCC6L2-related conditions. ClinVar contains an entry for this variant (Variation ID: 1486087). Algorithms developed to predict the effect of missense changes on protein structure and function are either unavailable or do not agree on the potential impact of this missense change (SIFT: "Deleterious"; PolyPhen-2: "Not Available"; Align-GVGD: "Class C0"). In summary, the available evidence is currently insufficient to determine the role of this variant in disease. Therefore, it has been classified as a Variant of Uncertain Significance. This variant is present in population databases (rs541311900, gnomAD 0.03%). This sequence change replaces serine, which is neutral and polar, with phenylalanine, which is neutral and non-polar, at codon 1174 of the ERCC6L2 protein (p.Ser1174Phe).